The following is an entry in ClinVar:

ClinVar aggregate classification (germline): Conflicting classifications of pathogenicity. Review status: criteria provided, conflicting classifications (1 of 4 stars). 3 submissions from 3 submitters: Uncertain significance (2); Likely benign (1). Last evaluated 2024-09-12.

Conditions:
Congenital myasthenic syndrome 8. Also called: MYASTHENIC SYNDROME, CONGENITAL, DUE TO AGRIN DEFICIENCY; Myasthenic syndrome, congenital, 8, with pre- and postsynaptic defects. Identifiers: Orphanet 590, MedGen C3808739, MONDO:0014052, OMIM 615120.

Allele frequency attached by ClinVar (database versions not stated): gnomAD exomes 0.00003; ExAC 0.00005; gnomAD 0.00005; TOPMed 0.00005; ESP Exome Variant Server 0.00015.
gnomAD v4.1: 65 of 1,608,996 alleles (0.004%); highest among the groups gnomAD compares: Admixed American, 0.01%; no homozygotes.

Submissions (3):

Blueprint Genetics
Classification: Likely benign. Last evaluated: 2024-09-12. Review status: criteria provided, single submitter. Criteria: ACMG Guidelines, 2015. Collection method: clinical testing. Allele origin: germline.

Labcorp Genetics (formerly Invitae), Labcorp
Classification: Uncertain significance for Congenital myasthenic syndrome 8. Last evaluated: 2023-10-03. Review status: criteria provided, single submitter. Criteria: Invitae Variant Classification Sherloc (09022015). Collection method: clinical testing. Allele origin: germline.
Comment: This sequence change replaces arginine, which is basic and polar, with glutamine, which is neutral and polar, at codon 1025 of the AGRN protein (p.Arg1025Gln). This variant is present in population databases (rs372696395, gnomAD 0.01%). This variant has not been reported in the literature in individuals affected with AGRN-related conditions. ClinVar contains an entry for this variant (Variation ID: 859618). Algorithms developed to predict the effect of missense changes on protein structure and function output the following: SIFT: "Not Available"; PolyPhen-2: "Benign"; Align-GVGD: "Not Available". The glutamine amino acid residue is found in multiple mammalian species, which suggests that this missense change does not adversely affect protein function. In summary, the available evidence is currently insufficient to determine the role of this variant in disease. Therefore, it has been classified as a Variant of Uncertain Significance.

GeneDx
Classification: Uncertain significance. Last evaluated: 2022-12-14. Review status: criteria provided, single submitter. Criteria: GeneDx Variant Classification Process June 2021. Collection method: clinical testing. Allele origin: germline. Affected: yes.
Comment: Not observed at significant frequency in large population cohorts (gnomAD); In silico analysis supports that this missense variant does not alter protein structure/function; Has not been previously published as pathogenic or benign to our knowledge

NM_198576.4(AGRN):c.3074G>A (p.Arg1025Gln)

Gene: AGRN (agrin; plus strand). Cytogenetic location: 1p36.33.
Variant type: single nucleotide variant.
Coding change: c.3074G>A on transcript NM_198576.4 (MANE Select); coding-DNA position 3074, G replaced by A.
Protein change: p.Arg1025Gln; replaces arginine 1025 with glutamine.
Molecular consequence: missense variant.
Genome position (GRCh38, 1-based): chr1:1,046,559, G>A. VCF-style: chr1-1046559-G-A. GRCh37 (hg19) VCF-style: chr1-981939-G-A.
Other names: c.3074G>A, p.Arg1025Gln (NM_001305275.2); c.2759G>A, p.Arg920Gln (NM_001364727.2); short protein forms R1025Q, R920Q.
Identifiers: ClinVar variation 859618 (VCV000859618.9), dbSNP rs372696395, ClinGen allele CA508943.